The following is an entry in ClinVar:

NM_001943.5(DSG2):c.2797G>A (p.Val933Met)

Genes: DSG2 (desmoglein 2; plus strand), DSG2-AS1 (DSG2 antisense RNA 1; minus strand). Cytogenetic location: 18q12.1.
Variant type: single nucleotide variant.
Coding change: c.2797G>A on transcript NM_001943.5 (MANE Select); coding-DNA position 2797, G replaced by A.
Protein change: p.Val933Met; replaces valine 933 with methionine.
Molecular consequence: missense variant.
Genome position (GRCh38, 1-based): chr18:31,546,183, G>A. VCF-style: chr18-31546183-G-A. GRCh37 (hg19) VCF-style: chr18-29126146-G-A.
Other names: c.2797G>A (LRG_397t1); short protein forms V933M.
Identifiers: ClinVar variation 655018 (VCV000655018.10), dbSNP rs373055076, ClinGen allele CA047203.

ClinVar aggregate classification (germline): Uncertain significance. Review status: criteria provided, multiple submitters, no conflicts (2 of 4 stars). 2 submissions from 2 submitters: Uncertain significance (2). Last evaluated 2026-09-11.

Conditions:
Arrhythmogenic right ventricular dysplasia 10. Also called: Arrhythmogenic Right Ventricular Dysplasia/Cardiomyopathy10; Arrhythmogenic right ventricular dysplasia/cardiomyopathy, type 10; ARRHYTHMOGENIC RIGHT VENTRICULAR DYSPLASIA, FAMILIAL, 10. Identifiers: MedGen C1857777, MONDO:0012434, OMIM 610193.
Cardiovascular phenotype. Identifiers: MedGen CN230736.

Allele frequency attached by ClinVar (database versions not stated): gnomAD exomes below 0.00001; ExAC 0.00001; gnomAD 0.00001; TOPMed 0.00001; ESP Exome Variant Server 0.00008.

Submissions (2):

Ambry Genetics
Classification: Uncertain significance for Cardiovascular phenotype. Last evaluated: 2026-09-11. Review status: criteria provided, single submitter. Criteria: Ambry Variant Classification Scheme 2023. Collection method: clinical testing. Allele origin: germline.
Comment: The p.V933M variant (also known as c.2797G>A), located in coding exon 15 of the DSG2 gene, results from a G to A substitution at nucleotide position 2797. The valine at codon 933 is replaced by methionine, an amino acid with highly similar properties. This amino acid position is conserved. In addition, this alteration is predicted to be tolerated by in silico analysis. Based on the available evidence, the clinical significance of this variant remains unclear.

Labcorp Genetics (formerly Invitae), Labcorp
Classification: Uncertain significance for Arrhythmogenic right ventricular dysplasia 10. Last evaluated: 2024-08-01. Review status: criteria provided, single submitter. Criteria: Invitae Variant Classification Sherloc (09022015). Collection method: clinical testing. Allele origin: germline.
Comment: This sequence change replaces valine, which is neutral and non-polar, with methionine, which is neutral and non-polar, at codon 933 of the DSG2 protein (p.Val933Met). This variant is present in population databases (rs373055076, gnomAD 0.007%). This variant has not been reported in the literature in individuals affected with DSG2-related conditions. ClinVar contains an entry for this variant (Variation ID: 655018). Advanced modeling of protein sequence and biophysical properties (such as structural, functional, and spatial information, amino acid conservation, physicochemical variation, residue mobility, and thermodynamic stability) performed at Invitae indicates that this missense variant is not expected to disrupt DSG2 protein function with a negative predictive value of 95%. In summary, the available evidence is currently insufficient to determine the role of this variant in disease. Therefore, it has been classified as a Variant of Uncertain Significance.